The following is an entry in ClinVar:

NM_031229.4(RBCK1):c.246G>A (p.Ala82=)

Gene: RBCK1 (RANBP2-type and C3HC4-type zinc finger containing 1; plus strand). Cytogenetic location: 20p13.
Variant type: single nucleotide variant.
Coding change: c.246G>A on transcript NM_031229.4 (MANE Select); coding-DNA position 246, G replaced by A.
Protein change: p.Ala82=; no amino-acid change (alanine 82 retained).
Molecular consequence: synonymous variant. On other transcripts: 5 prime UTR variant (2), non-coding transcript variant (1).
Genome position (GRCh38, 1-based): chr20:417,604, G>A. VCF-style: chr20-417604-G-A. GRCh37 (hg19) VCF-style: chr20-398248-G-A.
Other names: c.-104G>A (NM_001323956.2, NM_001323958.2); c.120G>A, p.Ala40= (NM_006462.6).
Identifiers: ClinVar variation 541951 (VCV000541951.29), dbSNP rs148091459, ClinGen allele CA9723010.

ClinVar aggregate classification (germline): Likely benign. Review status: criteria provided, multiple submitters, no conflicts (2 of 4 stars). 4 submissions from 4 submitters: Likely benign (3). 1 of the submissions does not count toward it. Last evaluated 2025-12-26.

Conditions:
RBCK1-related disorder. Also called: RBCK1-related condition.
Polyglucosan body myopathy type 1 (PGBM1). Also called: Polyglucosan body myopathy 1 with or without immunodeficiency; POLYGLUCOSAN BODY MYOPATHY WITHOUT IMMUNODEFICIENCY. Identifiers: Orphanet 329173, Orphanet 397937, MedGen C4014605, MONDO:0014389, OMIM 615895.

Allele frequency attached by ClinVar (database versions not stated): ESP Exome Variant Server 0.00008; ExAC 0.00012; TOPMed 0.00033; gnomAD 0.00034 and 0.00036.
gnomAD v4.1: 325 of 1,613,834 alleles (0.02%); highest among the groups gnomAD compares: African/African-American, 0.057%; no homozygotes.

Submissions (4):

Labcorp Genetics (formerly Invitae), Labcorp
Classification: Likely benign for Polyglucosan body myopathy type 1. Last evaluated: 2025-12-26. Review status: criteria provided, single submitter. Criteria: Invitae Variant Classification Sherloc (09022015). Collection method: clinical testing. Allele origin: germline.

CeGaT Center for Human Genetics Tuebingen
Classification: Likely benign. Last evaluated: 2024-07-01. Review status: criteria provided, single submitter. Criteria: CeGaT Center For Human Genetics Tuebingen Variant Classification Criteria Version 2. Collection method: clinical testing. Allele origin: germline. Affected: yes. Observed: 1 variant allele.
Comment: RBCK1: BP4, BP7

Blueprint Genetics
Classification: Likely benign. Last evaluated: 2024-03-04. Review status: criteria provided, single submitter. Criteria: ACMG Guidelines, 2015. Collection method: clinical testing. Allele origin: germline.

PreventionGenetics, part of Exact Sciences
Classification: Likely benign for RBCK1-related condition. Last evaluated: 2022-12-12. Review status: no assertion criteria provided. Collection method: clinical testing. Allele origin: germline. Not counted in ClinVar's aggregate classification.
Comment: This variant is classified as likely benign based on ACMG/AMP sequence variant interpretation guidelines (Richards et al. 2015 PMID: 25741868, with internal and published modifications).